The following is an entry in ClinVar:

ClinVar aggregate classification (germline): Uncertain significance. Review status: criteria provided, multiple submitters, no conflicts (2 of 4 stars). 2 submissions from 2 submitters: Uncertain significance (2). Last evaluated 2025-04-03.

Conditions:
Early-infantile DEE. Also called: Ohtahara syndrome; Early infantile epileptic encephalopathy with suppression bursts; Early infantile epileptic encephalopathy. Identifiers: Orphanet 1934, MedGen C0393706, MONDO:0800491.
Inborn genetic diseases. Identifiers: MedGen C0950123, MeSH D030342.

Submissions (2):

Ambry Genetics
Classification: Uncertain significance for Inborn genetic diseases. Last evaluated: 2025-04-03. Review status: criteria provided, single submitter. Criteria: Ambry Variant Classification Scheme 2023. Collection method: clinical testing. Allele origin: germline.

Labcorp Genetics (formerly Invitae), Labcorp
Classification: Uncertain significance for Early-infantile DEE. Last evaluated: 2024-12-12. Review status: criteria provided, single submitter. Criteria: Invitae Variant Classification Sherloc (09022015). Collection method: clinical testing. Allele origin: germline.
Comment: This sequence change replaces glycine, which is neutral and non-polar, with aspartic acid, which is acidic and polar, at codon 1958 of the SPTAN1 protein (p.Gly1958Asp). This variant is not present in population databases (gnomAD no frequency). This variant has not been reported in the literature in individuals affected with SPTAN1-related conditions. Invitae Evidence Modeling of protein sequence and biophysical properties (such as structural, functional, and spatial information, amino acid conservation, physicochemical variation, residue mobility, and thermodynamic stability) has been performed for this missense variant. However, the output from this modeling did not meet the statistical confidence thresholds required to predict the impact of this variant on SPTAN1 protein function. In summary, the available evidence is currently insufficient to determine the role of this variant in disease. Therefore, it has been classified as a Variant of Uncertain Significance.

NM_001130438.3(SPTAN1):c.5873G>A (p.Gly1958Asp)

Gene: SPTAN1 (spectrin alpha, non-erythrocytic 1; plus strand). Cytogenetic location: 9q34.11.
Variant type: single nucleotide variant.
Coding change: c.5873G>A on transcript NM_001130438.3 (MANE Select); coding-DNA position 5873, G replaced by A.
Protein change: p.Gly1958Asp; replaces glycine 1958 with aspartic acid.
Molecular consequence: missense variant.
Genome position (GRCh38, 1-based): chr9:128,624,368, G>A. VCF-style: chr9-128624368-G-A. GRCh37 (hg19) VCF-style: chr9-131386647-G-A.
Other names: c.5798G>A, p.Gly1933Asp (NM_001195532.2); c.5873G>A, p.Gly1958Asp (NM_001363759.2, NM_001375310.1, NM_001375311.2 and 1 more transcripts); c.5813G>A, p.Gly1938Asp (NM_001363765.2, NM_001375314.2); c.5909G>A, p.Gly1970Asp (NM_001375312.2, NM_001375318.1); c.5858G>A, p.Gly1953Asp (NM_003127.4); c.5873G>A (NM_001130438.2); short protein forms G1958D, G1938D, G1970D, G1933D, G1953D.
Identifiers: ClinVar variation 3714040 (VCV003714040.3).